The following is an entry in ClinVar:

NM_173354.5(SIK1):c.803C>A (p.Thr268Asn)

Gene: SIK1 (salt inducible kinase 1; minus strand). Cytogenetic location: 21q22.3.
Variant type: single nucleotide variant.
Coding change: c.803C>A on transcript NM_173354.5 (MANE Select); coding-DNA position 803, C replaced by A.
Protein change: p.Thr268Asn; replaces threonine 268 with asparagine.
Molecular consequence: missense variant.
Genome position (GRCh38, 1-based): chr21:43,420,403, G>T on the plus strand (C>A on the coding strand, the complement: SIK1 is on the minus strand). VCF-style: chr21-43420403-G-T. GRCh37 (hg19) VCF-style: chr21-44840283-G-T.
Other names: c.803C>A (NM_173354.3); short protein forms T268N.
Identifiers: ClinVar variation 1048997 (VCV001048997.7), dbSNP rs1339466208, ClinGen allele CA410609373.

ClinVar aggregate classification (germline): Uncertain significance. Review status: criteria provided, multiple submitters, no conflicts (2 of 4 stars). 3 submissions from 3 submitters: Uncertain significance (2). 1 of the submissions does not count toward it. Last evaluated 2025-08-21.

Conditions:
Developmental and epileptic encephalopathy, 30 (DEE30). Also called: Epileptic encephalopathy, early infantile, 30. Identifiers: MedGen C4225360, MONDO:0014595, OMIM 616341.
Inborn genetic diseases. Identifiers: MedGen C0950123, MeSH D030342.

Submissions (3):

Ambry Genetics
Classification: Uncertain significance for Inborn genetic diseases. Last evaluated: 2025-08-21. Review status: criteria provided, single submitter. Criteria: Ambry Variant Classification Scheme 2023. Collection method: clinical testing. Allele origin: germline.

Labcorp Genetics (formerly Invitae), Labcorp
Classification: Uncertain significance for Developmental and epileptic encephalopathy, 30. Last evaluated: 2022-12-18. Review status: criteria provided, single submitter. Criteria: Invitae Variant Classification Sherloc (09022015). Collection method: clinical testing. Allele origin: germline.
Comment: This sequence change replaces threonine, which is neutral and polar, with asparagine, which is neutral and polar, at codon 268 of the SIK1 protein (p.Thr268Asn). The frequency data for this variant in the population databases is considered unreliable, as metrics indicate poor data quality at this position in the gnomAD database. This variant has not been reported in the literature in individuals affected with SIK1-related conditions. ClinVar contains an entry for this variant (Variation ID: 1048997). Advanced modeling of protein sequence and biophysical properties (such as structural, functional, and spatial information, amino acid conservation, physicochemical variation, residue mobility, and thermodynamic stability) performed at Invitae indicates that this missense variant is not expected to disrupt SIK1 protein function. In summary, the available evidence is currently insufficient to determine the role of this variant in disease. Therefore, it has been classified as a Variant of Uncertain Significance.

Department of Pathology and Laboratory Medicine, Sinai Health System
Classification: Uncertain significance. Review status: no assertion criteria provided. Collection method: clinical testing. Allele origin: unknown. Affected: yes. Study: The Canadian Open Genetics Repository (COGR). Not counted in ClinVar's aggregate classification.
Comment: The SIK1 p.T268N variant was not identified in the literature nor was it identified in ClinVar or Cosmic. The variant was identified in dbSNP (ID: rs1339466208) and in LOVD 3.0 (likely benign). The variant was also identified in control databases in 2 of 274242 chromosomes (0 homozygous) at a frequency of 0.000007 (Genome Aggregation Database March 6, 2019, v2.1.1). The variant was observed in the following populations: Latino in 1 of 35118 chromosomes (freq: 0.000028) and European (non-Finnish) in 1 of 124556 chromosomes (freq: 0.000008), but was not observed in the African, Ashkenazi Jewish, East Asian, European (Finnish), Other or South Asian populations. The p.Thr268 residue is conserved in mammals and computational analyses (PolyPhen-2, SIFT, AlignGVGD, BLOSUM, MutationTaster) provide inconsistent predictions regarding the impact to the protein; this information is not very predictive of pathogenicity. The variant occurs outside of the splicing consensus sequence and in silico or computational prediction software programs (SpliceSiteFinder, MaxEntScan, NNSPLICE, GeneSplicer) do not predict a difference in splicing. In summary, based on the above information the clinical significance of this variant cannot be determined with certainty at this time. This variant is classified as a variant of uncertain significance.